The following is an entry in ClinVar:

NM_000350.3(ABCA4):c.5239A>G (p.Ile1747Val)

Gene: ABCA4 (ATP binding cassette subfamily A member 4; minus strand). Cytogenetic location: 1p22.1.
Variant type: single nucleotide variant.
Coding change: c.5239A>G on transcript NM_000350.3 (MANE Select); coding-DNA position 5239, A replaced by G.
Protein change: p.Ile1747Val; replaces isoleucine 1747 with valine.
Molecular consequence: missense variant.
Genome position (GRCh38, 1-based): chr1:94,015,812, T>C on the plus strand (A>G on the coding strand, the complement: ABCA4 is on the minus strand). VCF-style: chr1-94015812-T-C. GRCh37 (hg19) VCF-style: chr1-94481368-T-C.
Other names: c.5017A>G, p.Ile1673Val (NM_001425324.1); short protein forms I1747V, I1673V.
Identifiers: ClinVar variation 1406435 (VCV001406435.6), dbSNP rs745658425, ClinGen allele CA957337.

ClinVar aggregate classification (germline): Conflicting classifications of pathogenicity. Review status: criteria provided, conflicting classifications (1 of 4 stars). 2 submissions from 2 submitters: Uncertain significance (1); Likely benign (1). Last evaluated 2022-07-19.

Allele frequency attached by ClinVar (database versions not stated): TOPMed below 0.00001; ExAC 0.00001; gnomAD 0.00001; gnomAD exomes 0.00001.
gnomAD v4.1: 3 of 1,613,846 alleles (0.00019%); highest among the groups gnomAD compares: Middle Eastern, 0.016%; no homozygotes.

Submissions (2):

Labcorp Genetics (formerly Invitae), Labcorp
Classification: Uncertain significance. Last evaluated: 2022-07-19. Review status: criteria provided, single submitter. Criteria: Invitae Variant Classification Sherloc (09022015). Collection method: clinical testing. Allele origin: germline.
Comment: This sequence change replaces isoleucine, which is neutral and non-polar, with valine, which is neutral and non-polar, at codon 1747 of the ABCA4 protein (p.Ile1747Val). This variant is not present in population databases (gnomAD no frequency). This variant has not been reported in the literature in individuals affected with ABCA4-related conditions. ClinVar contains an entry for this variant (Variation ID: 1406435). Advanced modeling of protein sequence and biophysical properties (such as structural, functional, and spatial information, amino acid conservation, physicochemical variation, residue mobility, and thermodynamic stability) performed at Invitae indicates that this missense variant is not expected to disrupt ABCA4 protein function. In summary, the available evidence is currently insufficient to determine the role of this variant in disease. Therefore, it has been classified as a Variant of Uncertain Significance.

Blueprint Genetics
Classification: Likely benign. Last evaluated: 2020-12-09. Review status: criteria provided, single submitter. Criteria: ACMG Guidelines, 2015. Collection method: clinical testing. Allele origin: germline.